The following is an entry in ClinVar:

NM_001853.4(COL9A3):c.1954G>A (p.Ala652Thr)

Gene: COL9A3 (collagen type IX alpha 3 chain; plus strand). Cytogenetic location: 20q13.33.
Variant type: single nucleotide variant.
Coding change: c.1954G>A on transcript NM_001853.4 (MANE Select); coding-DNA position 1954, G replaced by A.
Protein change: p.Ala652Thr; replaces alanine 652 with threonine.
Molecular consequence: missense variant.
Genome position (GRCh38, 1-based): chr20:62,840,631, G>A. VCF-style: chr20-62840631-G-A. GRCh37 (hg19) VCF-style: chr20-61471983-G-A.
Other names: short protein forms A652T.
Identifiers: ClinVar variation 1429846 (VCV001429846.6), dbSNP rs1197786381, ClinGen allele CA409601550.

ClinVar aggregate classification (germline): Uncertain significance (1 of 4 stars; one submission).

Allele frequency attached by ClinVar (database versions not stated): gnomAD exomes below 0.00001.
gnomAD v4.1: 2 of 1,612,344 alleles (0.00012%); highest among the groups gnomAD compares: Admixed American, 0.0017%; no homozygotes.

Submission:

Labcorp Genetics (formerly Invitae), Labcorp
Classification: Uncertain significance. Last evaluated: 2021-09-03. Review status: criteria provided, single submitter. Criteria: Invitae Variant Classification Sherloc (09022015). Collection method: clinical testing. Allele origin: germline.
Comment: In summary, the available evidence is currently insufficient to determine the role of this variant in disease. Therefore, it has been classified as a Variant of Uncertain Significance. Advanced modeling of protein sequence and biophysical properties (such as structural, functional, and spatial information, amino acid conservation, physicochemical variation, residue mobility, and thermodynamic stability) performed at Invitae indicates that this missense variant is not expected to disrupt COL9A3 protein function. This variant has not been reported in the literature in individuals affected with COL9A3-related conditions. This variant is not present in population databases (ExAC no frequency). This sequence change replaces alanine with threonine at codon 652 of the COL9A3 protein (p.Ala652Thr). The alanine residue is highly conserved and there is a small physicochemical difference between alanine and threonine.